The following is an entry in ClinVar:

ClinVar aggregate classification (germline): Uncertain significance (1 of 4 stars; one submission).

Submission:

CeGaT Center for Human Genetics Tuebingen
Classification: Uncertain significance. Last evaluated: 2025-01-01. Review status: criteria provided, single submitter. Criteria: CeGaT Center For Human Genetics Tuebingen Variant Classification Criteria Version 2. Collection method: clinical testing. Allele origin: germline. Affected: yes. Observed: 1 variant allele.
Comment: RAI1: PM2, BP4

NM_030665.4(RAI1):c.4437C>G (p.Asp1479Glu)

Gene: RAI1 (retinoic acid induced 1; plus strand). Cytogenetic location: 17p11.2.
Variant type: single nucleotide variant.
Coding change: c.4437C>G on transcript NM_030665.4 (MANE Select); coding-DNA position 4437, C replaced by G.
Protein change: p.Asp1479Glu; replaces aspartic acid 1479 with glutamic acid.
Molecular consequence: missense variant.
Genome position (GRCh38, 1-based): chr17:17,797,385, C>G. VCF-style: chr17-17797385-C-G. GRCh37 (hg19) VCF-style: chr17-17700699-C-G.
Other names: short protein forms D1479E.
Identifiers: ClinVar variation 3772365 (VCV003772365.13).